The following is an entry in ClinVar:

ClinVar aggregate classification (germline): Uncertain significance. Review status: criteria provided, multiple submitters, no conflicts (2 of 4 stars). 4 submissions from 4 submitters: Uncertain significance (4). Last evaluated 2025-10-17.

Conditions:
Inborn genetic diseases. Identifiers: MedGen C0950123, MeSH D030342.

Allele frequency attached by ClinVar (database versions not stated): ExAC 0.00001; gnomAD 0.00001; TOPMed 0.00001; gnomAD exomes 0.00002.
gnomAD v4.1: 10 of 1,612,768 alleles (0.00062%); highest among the groups gnomAD compares: Admixed American, 0.015%; no homozygotes.

Submissions (4):

Ambry Genetics
Classification: Uncertain significance for Inborn genetic diseases. Last evaluated: 2025-10-17. Review status: criteria provided, single submitter. Criteria: Ambry Variant Classification Scheme 2023. Collection method: clinical testing. Allele origin: germline.

Labcorp Genetics (formerly Invitae), Labcorp
Classification: Uncertain significance. Last evaluated: 2025-02-24. Review status: criteria provided, single submitter. Criteria: Invitae Variant Classification Sherloc (09022015). Collection method: clinical testing. Allele origin: germline.
Comment: This sequence change replaces serine, which is neutral and polar, with cysteine, which is neutral and slightly polar, at codon 286 of the EARS2 protein (p.Ser286Cys). This variant is present in population databases (rs772521337, gnomAD 0.009%). This variant has not been reported in the literature in individuals affected with EARS2-related conditions. ClinVar contains an entry for this variant (Variation ID: 1353543). Invitae Evidence Modeling of protein sequence and biophysical properties (such as structural, functional, and spatial information, amino acid conservation, physicochemical variation, residue mobility, and thermodynamic stability) indicates that this missense variant is expected to disrupt EARS2 protein function with a positive predictive value of 95%. In summary, the available evidence is currently insufficient to determine the role of this variant in disease. Therefore, it has been classified as a Variant of Uncertain Significance.

GeneDx
Classification: Uncertain significance. Last evaluated: 2024-12-28. Review status: criteria provided, single submitter. Criteria: GeneDx Variant Classification Process June 2021. Collection method: clinical testing. Allele origin: germline. Affected: yes.
Comment: Not observed at significant frequency in large population cohorts (gnomAD); In silico analysis supports that this missense variant has a deleterious effect on protein structure/function; Has not been previously published as pathogenic or benign to our knowledge

Blueprint Genetics
Classification: Uncertain significance. Last evaluated: 2022-10-26. Review status: criteria provided, single submitter. Criteria: ACMG Guidelines, 2015. Collection method: clinical testing. Allele origin: germline.

NM_001083614.2(EARS2):c.857C>G (p.Ser286Cys)

Gene: EARS2 (glutamyl-tRNA synthetase 2, mitochondrial; minus strand). Cytogenetic location: 16p12.2.
Variant type: single nucleotide variant.
Coding change: c.857C>G on transcript NM_001083614.2 (MANE Select); coding-DNA position 857, C replaced by G.
Protein change: p.Ser286Cys; replaces serine 286 with cysteine.
Molecular consequence: missense variant. On other transcripts: non-coding transcript variant (1).
Genome position (GRCh38, 1-based): chr16:23,534,989, G>C on the plus strand (C>G on the coding strand, the complement: EARS2 is on the minus strand). VCF-style: chr16-23534989-G-C. GRCh37 (hg19) VCF-style: chr16-23546310-G-C.
Other names: c.857C>G, p.Ser286Cys (NM_001308211.1); c.857C>G (NM_001083614.1); short protein forms S286C.
Identifiers: ClinVar variation 1353543 (VCV001353543.11), dbSNP rs772521337, ClinGen allele CA7962494.